The following is an entry in ClinVar:

NM_000089.4(COL1A2):c.594+15A>G

Gene: COL1A2 (collagen type I alpha 2 chain; plus strand). Cytogenetic location: 7q21.3.
Variant type: single nucleotide variant.
Coding change: c.594+15A>G on transcript NM_000089.4 (MANE Select); 15 bases into the intron after coding-DNA position 594, A replaced by G.
Molecular consequence: intron variant.
Genome position (GRCh38, 1-based): chr7:94,406,318, A>G. VCF-style: chr7-94406318-A-G. GRCh37 (hg19) VCF-style: chr7-94035630-A-G.
Identifiers: ClinVar variation 1698766 (VCV001698766.2), dbSNP rs1791795919, ClinGen allele CA916079875.

ClinVar aggregate classification (germline): Uncertain significance (1 of 4 stars; one submission).

Conditions:
Ehlers-Danlos syndrome, arthrochalasia type, 2. Also called: EHLERS-DANLOS SYNDROME, TYPE VIIB, AUTOSOMAL DOMINANT. Identifiers: MedGen CN293783, MONDO:0040501, OMIM 617821.

Allele frequency attached by ClinVar (database versions not stated): gnomAD exomes below 0.00001.
gnomAD v4.1: 5 of 1,613,402 alleles (0.00031%); highest among the groups gnomAD compares: Non-Finnish European, 0.00042%; no homozygotes.

Submission:

Genetics and Molecular Pathology, SA Pathology
Classification: Uncertain significance for Ehlers-Danlos syndrome, arthrochalasia type, 2. Last evaluated: 2020-05-06. Review status: criteria provided, single submitter. Criteria: ACMG Guidelines, 2015. Collection method: clinical testing. Allele origin: germline. Affected: yes.
Comment: The COL1A2 c.594+15A>G variant is a single nucleotide change from an adenine to a guanine 15bp into intron 12 of the gene. The variant has not been described in the literature to date. The variant has not been reported in dbSNP and is absent from population databases (PM2). The variant has not been reported in the ClinVar or HGMD disease databases. The effect of this variant on splicing is unknown. Pathogenic intronic variants have been reported in other collagen disorders.